The following is an entry in ClinVar:

ClinVar aggregate classification (germline): Likely benign. Review status: criteria provided, multiple submitters, no conflicts (2 of 4 stars). 2 submissions from 2 submitters: Likely benign (2). Last evaluated 2025-12-01.

Allele frequency attached by ClinVar (database versions not stated): TOPMed below 0.00001; gnomAD exomes 0.00001.
gnomAD v4.1: 7 of 1,614,048 alleles (0.00043%); highest among the groups gnomAD compares: Admixed American, 0.0033%; no homozygotes.

Submissions (2):

CeGaT Center for Human Genetics Tuebingen
Classification: Likely benign. Last evaluated: 2025-12-01. Review status: criteria provided, single submitter. Criteria: CeGaT Center For Human Genetics Tuebingen Variant Classification Criteria Version 2. Collection method: clinical testing. Allele origin: germline. Affected: yes. Observed: 1 variant allele.
Comment: KIFBP: BP4, BP7

Labcorp Genetics (formerly Invitae), Labcorp
Classification: Likely benign. Last evaluated: 2021-08-29. Review status: criteria provided, single submitter. Criteria: Invitae Variant Classification Sherloc (09022015). Collection method: clinical testing. Allele origin: germline.

NM_015634.4(KIFBP):c.1540C>T (p.Leu514=)

Gene: KIFBP (kinesin family binding protein; plus strand). Cytogenetic location: 10q22.1.
Variant type: single nucleotide variant.
Coding change: c.1540C>T on transcript NM_015634.4 (MANE Select); coding-DNA position 1540, C replaced by T.
Protein change: p.Leu514=; no amino-acid change (leucine 514 retained).
Molecular consequence: synonymous variant.
Genome position (GRCh38, 1-based): chr10:69,016,090, C>T. VCF-style: chr10-69016090-C-T. GRCh37 (hg19) VCF-style: chr10-70775846-C-T.
Identifiers: ClinVar variation 1681422 (VCV001681422.13), dbSNP rs1340888692, ClinGen allele CA470276069.
Genomic context (GRCh38, chr10:69,016,090, plus strand): 5'-AGGCTAAGGGATCCTGATTCACACATTGTAAAAAAAATAAATAATCTTAATAAGTCAGCA[C>T]TGAAGTACTACCAGCTCTTCTTAGACTCCCTGAGAGACCCAAATAAAGTATTCCCTGAGC-3'
Protein context (NP_056449.1, residues 504-524): KKINNLNKSA[Leu514=]KYYQLFLDSL